The following is an entry in ClinVar:

NM_144997.7(FLCN):c.724A>T (p.Thr242Ser)

Gene: FLCN (folliculin; minus strand). Cytogenetic location: 17p11.2.
Variant type: single nucleotide variant.
Coding change: c.724A>T on transcript NM_144997.7 (MANE Select); coding-DNA position 724, A replaced by T.
Protein change: p.Thr242Ser; replaces threonine 242 with serine.
Molecular consequence: missense variant.
Genome position (GRCh38, 1-based): chr17:17,222,556, T>A on the plus strand (A>T on the coding strand, the complement: FLCN is on the minus strand). VCF-style: chr17-17222556-T-A. GRCh37 (hg19) VCF-style: chr17-17125870-T-A.
Other names: c.724A>T, p.Thr242Ser (NM_001353230.2, NM_001353231.2, NM_144606.7); c.778A>T, p.Thr260Ser (NM_001353229.2); short protein forms T242S, T260S.
Identifiers: ClinVar variation 1011028 (VCV001011028.5), dbSNP rs2047125204, ClinGen allele CA398533926.

ClinVar aggregate classification (germline): Uncertain significance (1 of 4 stars; one submission).

Conditions:
Birt-Hogg-Dube syndrome. Also called: Birt Hogg Dubé syndrome. Identifiers: Orphanet 122, MedGen C0346010, MONDO:0800444.

Submission:

Labcorp Genetics (formerly Invitae), Labcorp
Classification: Uncertain significance for Birt-Hogg-Dube syndrome. Last evaluated: 2020-01-22. Review status: criteria provided, single submitter. Criteria: Invitae Variant Classification Sherloc (09022015). Collection method: clinical testing. Allele origin: germline.
Comment: This sequence change replaces threonine with serine at codon 242 of the FLCN protein (p.Thr242Ser). The threonine residue is highly conserved and there is a small physicochemical difference between threonine and serine. This variant is not present in population databases (ExAC no frequency). This variant has not been reported in the literature in individuals with FLCN-related conditions. Algorithms developed to predict the effect of missense changes on protein structure and function (SIFT, PolyPhen-2, Align-GVGD) all suggest that this variant is likely to be tolerated, but these predictions have not been confirmed by published functional studies and their clinical significance is uncertain. In summary, the available evidence is currently insufficient to determine the role of this variant in disease. Therefore, it has been classified as a Variant of Uncertain Significance.